The following is an entry in ClinVar:

ClinVar aggregate classification (germline): Uncertain significance (1 of 4 stars; one submission).

Conditions:
Hereditary cancer-predisposing syndrome. Also called: Tumor predisposition; Hereditary neoplastic syndrome; Hereditary Cancer Syndrome; Neoplastic Syndromes, Hereditary. Identifiers: Orphanet 140162, MedGen C0027672, MeSH D009386, MONDO:0015356.

Submission:

Ambry Genetics
Classification: Uncertain significance for Hereditary cancer-predisposing syndrome. Last evaluated: 2025-03-20. Review status: criteria provided, single submitter. Criteria: Ambry Variant Classification Scheme 2023. Collection method: clinical testing. Allele origin: germline.
Comment: The p.D258V variant (also known as c.773A>T), located in coding exon 6 of the STK11 gene, results from an A to T substitution at nucleotide position 773. The aspartic acid at codon 258 is replaced by valine, an amino acid with highly dissimilar properties. This amino acid position is conserved. In addition, the in silico prediction for this alteration is inconclusive. Based on the available evidence, the clinical significance of this variant remains unclear.

NM_000455.5(STK11):c.773A>T (p.Asp258Val)

Gene: STK11 (serine/threonine kinase 11; plus strand). Cytogenetic location: 19p13.3.
Variant type: single nucleotide variant.
Coding change: c.773A>T on transcript NM_000455.5 (MANE Select); coding-DNA position 773, A replaced by T.
Protein change: p.Asp258Val; replaces aspartic acid 258 with valine.
Molecular consequence: missense variant. On other transcripts: non-coding transcript variant (1).
Genome position (GRCh38, 1-based): chr19:1,221,251, A>T. VCF-style: chr19-1221251-A-T. GRCh37 (hg19) VCF-style: chr19-1221250-A-T.
Other names: c.773A>T, p.Asp258Val (NM_001407255.1); short protein forms D258V.
Identifiers: ClinVar variation 3963255 (VCV003963255.1).